The following is an entry in ClinVar:

NM_023004.6(RTN4R):c.1365C>T (p.Cys455=)

Gene: RTN4R (reticulon 4 receptor; minus strand). Cytogenetic location: 22q11.21.
Variant type: single nucleotide variant.
Coding change: c.1365C>T on transcript NM_023004.6 (MANE Select); coding-DNA position 1365, C replaced by T.
Protein change: p.Cys455=; no amino-acid change (cysteine 455 retained).
Molecular consequence: synonymous variant.
Genome position (GRCh38, 1-based): chr22:20,241,768, G>A on the plus strand (C>T on the coding strand, the complement: RTN4R is on the minus strand). VCF-style: chr22-20241768-G-A. GRCh37 (hg19) VCF-style: chr22-20229291-G-A.
Identifiers: ClinVar variation 3056535 (VCV003056535.2), dbSNP rs374126911, ClinGen allele CA10109379.

ClinVar aggregate classification (germline): Likely benign (0 of 4 stars; one submission).

Conditions:
RTN4R-related disorder. Also called: RTN4R-related condition.

Allele frequency attached by ClinVar (database versions not stated): gnomAD 0.00003; ExAC 0.00006; TOPMed 0.00006; gnomAD exomes 0.00007; ESP Exome Variant Server 0.00008.
gnomAD v4.1: 94 of 1,554,458 alleles (0.006%); highest among the groups gnomAD compares: Non-Finnish European, 0.008%; no homozygotes.

Submission:

PreventionGenetics, part of Exact Sciences
Classification: Likely benign for RTN4R-related condition. Last evaluated: 2019-05-01. Review status: no assertion criteria provided. Collection method: clinical testing. Allele origin: germline.
Comment: This variant is classified as likely benign based on ACMG/AMP sequence variant interpretation guidelines (Richards et al. 2015 PMID: 25741868, with internal and published modifications).